The following is an entry in ClinVar:

ClinVar aggregate classification (germline): Pathogenic (1 of 4 stars; one submission).

Conditions:
Tuberous sclerosis 2 (TSC2). Identifiers: Orphanet 805, MedGen C1860707, MONDO:0013199, OMIM 613254.

Submission:

Labcorp Genetics (formerly Invitae), Labcorp
Classification: Pathogenic for Tuberous sclerosis 2. Last evaluated: 2022-09-15. Review status: criteria provided, single submitter. Criteria: Invitae Variant Classification Sherloc (09022015). Collection method: clinical testing. Allele origin: germline.
Comment: For these reasons, this variant has been classified as Pathogenic. This variant has not been reported in the literature in individuals affected with TSC2-related conditions. This variant is not present in population databases (gnomAD no frequency). This sequence change creates a premature translational stop signal (p.Val1102Glufs*65) in the TSC2 gene. It is expected to result in an absent or disrupted protein product. Loss-of-function variants in TSC2 are known to be pathogenic (PMID: 10205261, 17304050).

Literature cited by the submitters: PubMed 10205261; PubMed 17304050.

NM_000548.5(TSC2):c.3305_3306del (p.Val1102fs)

Gene: TSC2 (TSC complex subunit 2; plus strand). Cytogenetic location: 16p13.3.
Variant type: Microsatellite.
Coding change: c.3305_3306del on transcript NM_000548.5 (MANE Select); coding-DNA positions 3305 to 3306, 2 bases deleted (TG; older notation c.3305_3306delTG).
Protein change: p.Val1102fs; shifts the reading frame from valine 1102.
Molecular consequence: frameshift variant.
Genome position (GRCh38, 1-based): chr16:2,079,577-2,079,578, TG deleted; deleting any 2 consecutive bases within chr16:2,079,575-2,079,578 gives the same sequence; the c. name uses the placement nearest the transcript's 3' end. VCF-style (leftmost placement, unchanged base first): chr16-2079574-ATG-A. GRCh37 (hg19) VCF-style: chr16-2129575-ATG-A.
Other names: c.3173_3174del, p.Val1058fs (NM_001077183.3, NM_001370404.1); c.3305_3306del, p.Val1102fs (NM_001114382.3); c.3065_3066del, p.Val1022fs (NM_001318827.2); c.3029_3030del, p.Val1010fs (NM_001318829.2); c.2573_2574del, p.Val858fs (NM_001318831.2); c.3206_3207del, p.Val1069fs (NM_001318832.2); c.3176_3177del, p.Val1059fs (NM_001363528.2, NM_001370405.1, NM_021055.3); c.3300_3301TG[1], p.Val1101Glufs (NM_001406663.1, NM_001406664.1); and 20 more; short protein forms V1059fs, V1058fs, V1010fs, V858fs, V1022fs, V1069fs, V1102fs.
Identifiers: ClinVar variation 2030757 (VCV002030757.4), dbSNP rs2151444781, ClinGen allele CA2580612695.
Genomic context (GRCh38, chr16:2,079,574, plus strand): 5'-CCTGGGGACTAAGTCCACCCTGTGCGTGGGATTCTCTTCTCAGCTCCAGCCCCGGGGTGC[ATG>A]TGAGACAGACCAAGGAGGCGCCGGCCAAGCTGGAGTCCCAGGCTGGGCAGCAGGTGTCCC-3'